The following is an entry in ClinVar:

ClinVar aggregate classification (germline): Pathogenic (1 of 4 stars; one submission).

Conditions:
Ullrich congenital muscular dystrophy 2 (UCMD2). Identifiers: Orphanet 75840, MedGen C4225314, MONDO:0014654, OMIM 616470.
Bethlem myopathy 2 (BTHLM2). Identifiers: Orphanet 536516, Orphanet 610, MedGen C4225313, MONDO:0034022, OMIM 616471.

Submission:

Labcorp Genetics (formerly Invitae), Labcorp
Classification: Pathogenic for Bethlem myopathy 2; Ullrich congenital muscular dystrophy 2. Last evaluated: 2024-09-10. Review status: criteria provided, single submitter. Criteria: Invitae Variant Classification Sherloc (09022015). Collection method: clinical testing. Allele origin: germline.
Comment: This sequence change creates a premature translational stop signal (p.Ser1394Leufs*10) in the COL12A1 gene. It is expected to result in an absent or disrupted protein product. Loss-of-function variants in COL12A1 are known to be pathogenic (PMID: 24334604, 28973083). This variant is not present in population databases (gnomAD no frequency). This variant has not been reported in the literature in individuals affected with COL12A1-related conditions. For these reasons, this variant has been classified as Pathogenic.

Literature cited by the submitters: PubMed 24334604; PubMed 28973083.

NM_004370.6(COL12A1):c.4181del (p.Ser1394fs)

Gene: COL12A1 (collagen type XII alpha 1 chain; minus strand). Cytogenetic location: 6q13.
Variant type: Deletion.
Coding change: c.4181del on transcript NM_004370.6 (MANE Select); coding-DNA position 4181, one base deleted (C; older notation c.4181delC).
Protein change: p.Ser1394fs; shifts the reading frame from serine 1394.
Molecular consequence: frameshift variant.
Genome position (GRCh38, 1-based): chr6:75,148,464, G deleted on the plus strand (C on the coding strand, the reverse complement: COL12A1 is on the minus strand). VCF-style (leftmost placement, unchanged base first): chr6-75148463-AG-A. GRCh37 (hg19) VCF-style: chr6-75858179-AG-A.
Other names: c.4181del, p.Ser1394fs (NM_001424113.1, NM_001424114.1); c.3908del, p.Ser1303fs (NM_001424115.1); c.689del, p.Ser230fs (NM_001424116.1, NM_080645.3); short protein forms S1303fs, S1394fs, S230fs.
Identifiers: ClinVar variation 3758548 (VCV003758548.2).
Genomic context (GRCh38, chr6:75,148,463, plus strand): 5'-TCGATCCACACTGTCAGAAGGTGGTGTCCAGCTCACTCTAAAAGAACGATGGGTTCGCTC[AG>A]AAATAACTAAGTTAGAAGGTGCTTCCAAATCACCTACACATGGAAATAAAGGGTATACAC-3'